The following is an entry in ClinVar:

NM_001953.5(TYMP):c.1318G>A (p.Val440Met)

Genes: SCO2 (synthesis of cytochrome C oxidase 2; minus strand), TYMP (thymidine phosphorylase; minus strand), LOC130067862 (ATAC-STARR-seq lymphoblastoid silent region 13986; plus strand). Cytogenetic location: 22q13.33.
Variant type: single nucleotide variant.
Coding change: c.1318G>A on transcript NM_001953.5 (MANE Select); coding-DNA position 1318, G replaced by A.
Protein change: p.Val440Met; replaces valine 440 with methionine.
Molecular consequence: missense variant. On other transcripts: intron variant (2).
Genome position (GRCh38, 1-based): chr22:50,525,901, C>T on the plus strand (G>A on the coding strand, the complement: TYMP is on the minus strand). VCF-style: chr22-50525901-C-T. GRCh37 (hg19) VCF-style: chr22-50964330-C-T.
Other names: c.1318G>A, p.Val440Met (NM_001113755.3, NM_001113756.3, NM_001257988.1); c.1333G>A, p.Val445Met (NM_001257989.1); c.-14+345G>A (NM_001169109.2); c.-14+100G>A (NM_001169110.1); short protein forms V440M, V445M.
Identifiers: ClinVar variation 3710728 (VCV003710728.4).

ClinVar aggregate classification (germline): Uncertain significance. Review status: criteria provided, multiple submitters, no conflicts (2 of 4 stars). 3 submissions from 3 submitters: Uncertain significance (3). Last evaluated 2025-09-10.

Conditions:
Inborn genetic diseases. Identifiers: MedGen C0950123, MeSH D030342.

gnomAD v4.1: 13 of 1,556,398 alleles (0.00084%); highest among the groups gnomAD compares: African/African-American, 0.0014%; no homozygotes.

Submissions (3):

Ambry Genetics
Classification: Uncertain significance for Inborn genetic diseases. Last evaluated: 2025-09-10. Review status: criteria provided, single submitter. Criteria: Ambry Variant Classification Scheme 2023. Collection method: clinical testing. Allele origin: germline.

Labcorp Genetics (formerly Invitae), Labcorp
Classification: Uncertain significance. Last evaluated: 2024-06-21. Review status: criteria provided, single submitter. Criteria: Invitae Variant Classification Sherloc (09022015). Collection method: clinical testing. Allele origin: germline.
Comment: This sequence change replaces valine, which is neutral and non-polar, with methionine, which is neutral and non-polar, at codon 440 of the TYMP protein (p.Val440Met). This variant is present in population databases (rs747938170, gnomAD 0.003%). This variant has not been reported in the literature in individuals affected with TYMP-related conditions. Advanced modeling of protein sequence and biophysical properties (such as structural, functional, and spatial information, amino acid conservation, physicochemical variation, residue mobility, and thermodynamic stability) performed at Invitae indicates that this missense variant is not expected to disrupt TYMP protein function with a negative predictive value of 95%. In summary, the available evidence is currently insufficient to determine the role of this variant in disease. Therefore, it has been classified as a Variant of Uncertain Significance.

Blueprint Genetics
Classification: Uncertain significance. Last evaluated: 2020-12-31. Review status: criteria provided, single submitter. Criteria: ACMG Guidelines, 2015. Collection method: clinical testing. Allele origin: germline.